The following is an entry in ClinVar:

ClinVar aggregate classification (germline): Uncertain significance (0 of 4 stars; one submission).

Conditions:
UCP3-related disorder. Also called: UCP3-related condition.

Submission:

PreventionGenetics, part of Exact Sciences
Classification: Uncertain significance for UCP3-related condition. Last evaluated: 2024-01-03. Review status: no assertion criteria provided. Collection method: clinical testing. Allele origin: germline.
Comment: The UCP3 c.872T>C variant is predicted to result in the amino acid substitution p.Phe291Ser. To our knowledge, this variant has not been reported in the literature. This variant is reported in 0.011% of alleles in individuals of Latino descent in gnomAD. At this time, the clinical significance of this variant is uncertain due to the absence of conclusive functional and genetic evidence.

NM_003356.4(UCP3):c.872T>C (p.Phe291Ser)

Gene: UCP3 (uncoupling protein 3; minus strand). Cytogenetic location: 11q13.4.
Variant type: single nucleotide variant.
Coding change: c.872T>C on transcript NM_003356.4 (MANE Select); coding-DNA position 872, T replaced by C.
Protein change: p.Phe291Ser; replaces phenylalanine 291 with serine.
Molecular consequence: missense variant.
Genome position (GRCh38, 1-based): chr11:74,001,479, A>G on the plus strand (T>C on the coding strand, the complement: UCP3 is on the minus strand). VCF-style: chr11-74001479-A-G. GRCh37 (hg19) VCF-style: chr11-73712524-A-G.
Other names: short protein forms F291S.
Identifiers: ClinVar variation 3348859 (VCV003348859.1).
Genomic context (GRCh38, chr11:74,001,479, plus strand): 5'-GGTGATTCCCGTAACATCTGGACTTTCATCAGGGCCCGTTTCAGCTGCTCATAGGTTACG[A>G]ACATCACCACGTTCCAGGATCCCAAACGCAAAAAGGAGGGTGTAAATCTGATAAGAAAAA-3'
Protein context (NP_003347.1, residues 281-301): LRLGSWNVVM[Phe291Ser]VTYEQLKRAL